The following is an entry in ClinVar:

ClinVar aggregate classification (germline): Uncertain significance (1 of 4 stars; one submission).

Conditions:
Cardiovascular phenotype. Identifiers: MedGen CN230736.

Submission:

Molecular Diagnostic Laboratory for Inherited Cardiovascular Disease, Montreal Heart Institute
Classification: Uncertain significance for Cardiovascular phenotype. Last evaluated: 2026-03-27. Review status: criteria provided, single submitter. Criteria: ACMG Guidelines, 2015. Collection method: clinical testing. Allele origin: germline. Affected: yes.
Comment: PM2, PM4, BP2

NM_001103.4(ACTN2):c.2610_2615del (p.Pro872_Gly873del)

Gene: ACTN2 (actinin alpha 2; plus strand). Cytogenetic location: 1q43.
Variant type: Deletion.
Coding change: c.2610_2615del on transcript NM_001103.4 (MANE Select); coding-DNA positions 2610 to 2615, 6 bases deleted (GGGCCC; older notation c.2610_2615delGGGCCC).
Protein change: p.Pro872_Gly873del.
Molecular consequence: inframe deletion. On other transcripts: non-coding transcript variant (1).
Genome position (GRCh38, 1-based): chr1:236,762,544-236,762,549, GGGCCC deleted; deleting any 6 consecutive bases within chr1:236,762,543-236,762,549 gives the same sequence; the c. name uses the placement nearest the transcript's 3' end. VCF-style (leftmost placement, unchanged base first): chr1-236762542-TCGGGCC-T. GRCh37 (hg19) VCF-style: chr1-236925842-TCGGGCC-T.
Other names: c.2610_2615del, p.Pro872_Gly873del (NM_001278343.2).
Identifiers: ClinVar variation 4820384 (VCV004820384.1).